The following is an entry in ClinVar:

NM_005219.5(DIAPH1):c.2597C>T (p.Ser866Phe)

Gene: DIAPH1 (diaphanous related formin 1; minus strand). Cytogenetic location: 5q31.3.
Variant type: single nucleotide variant.
Coding change: c.2597C>T on transcript NM_005219.5 (MANE Select); coding-DNA position 2597, C replaced by T.
Protein change: p.Ser866Phe; replaces serine 866 with phenylalanine.
Molecular consequence: missense variant.
Genome position (GRCh38, 1-based): chr5:141,529,682, G>A on the plus strand (C>T on the coding strand, the complement: DIAPH1 is on the minus strand). VCF-style: chr5-141529682-G-A. GRCh37 (hg19) VCF-style: chr5-140909249-G-A.
Other names: c.2570C>T, p.Ser857Phe (NM_001079812.3); c.2597C>T, p.Ser866Phe (NM_001314007.2); short protein forms S866F, S857F.
Identifiers: ClinVar variation 70197 (VCV000070197.10), dbSNP rs150113164, ClinGen allele CA128425801.

ClinVar aggregate classification (germline): Uncertain significance (1 of 4 stars; one submission).

Conditions:
Autosomal dominant nonsyndromic hearing loss 1. Also called: DEAFNESS, AUTOSOMAL DOMINANT 1, WITH OR WITHOUT THROMBOCYTOPENIA; KONIGSMARK SYNDROME. Identifiers: Orphanet 90635, MedGen C1852282, MONDO:0007424, OMIM 124900.
Progressive microcephaly-seizures-cortical blindness-developmental delay syndrome. Also called: Seizures, cortical blindness, and microcephaly syndrome. Identifiers: Orphanet 477814, MedGen C5567650, MONDO:0014714, OMIM 616632.

Submission:

Labcorp Genetics (formerly Invitae), Labcorp
Classification: Uncertain significance for Progressive microcephaly-seizures-cortical blindness-developmental delay syndrome; Autosomal dominant nonsyndromic hearing loss 1. Last evaluated: 2022-06-29. Review status: criteria provided, single submitter. Criteria: Invitae Variant Classification Sherloc (09022015). Collection method: clinical testing. Allele origin: germline.
Comment: In summary, the available evidence is currently insufficient to determine the role of this variant in disease. Therefore, it has been classified as a Variant of Uncertain Significance. This sequence change replaces serine, which is neutral and polar, with phenylalanine, which is neutral and non-polar, at codon 866 of the DIAPH1 protein (p.Ser866Phe). This variant is not present in population databases (gnomAD no frequency). This variant has not been reported in the literature in individuals affected with DIAPH1-related conditions. ClinVar contains an entry for this variant (Variation ID: 70197). Algorithms developed to predict the effect of missense changes on protein structure and function are either unavailable or do not agree on the potential impact of this missense change (SIFT: "Deleterious"; PolyPhen-2: "Possibly Damaging"; Align-GVGD: "Class C0").